The following is an entry in ClinVar:

ClinVar aggregate classification (germline): Pathogenic. Review status: criteria provided, multiple submitters, no conflicts (2 of 4 stars). 2 submissions from 2 submitters: Pathogenic (2). Last evaluated 2023-05-10.

Conditions:
Familial adenomatous polyposis 1 (FAP1). Also called: FAMILIAL ADENOMATOUS POLYPOSIS 1, ATTENUATED; POLYPOSIS, ADENOMATOUS INTESTINAL. Identifiers: MedGen C2713442, MONDO:0021056, OMIM 175100. Disease mechanism: loss of function.

Submissions (2):

Myriad Genetics, Inc.
Classification: Pathogenic for Familial adenomatous polyposis 1. Last evaluated: 2023-05-10. Review status: criteria provided, single submitter. Criteria: Myriad Autosomal Dominant, Autosomal Recessive and X-Linked Classification Criteria (2023). Collection method: clinical testing. Allele origin: unknown.
Comment: This variant is considered pathogenic. This variant creates a frameshift predicted to result in premature protein truncation.

Labcorp Genetics (formerly Invitae), Labcorp
Classification: Pathogenic for Familial adenomatous polyposis 1. Last evaluated: 2018-09-06. Review status: criteria provided, single submitter. Criteria: Invitae Variant Classification Sherloc (09022015). Collection method: clinical testing. Allele origin: germline.
Comment: This variant is expected to disrupt the EB1 and HDLG binding sites, which mediate interactions with the cytoskeleton (PMID: 15311282, 17293347). While functional studies have not been performed to directly test the effect on APC protein function, this suggests that disruption of the C-terminal portion of the protein is functionally important. A different truncation (p.Tyr2645Lysfs*14) that lies downstream of this variant has been determined to be pathogenic (PMID: 9824584, 1316610, 27081525, 8381579, 22135120, Invitae). This suggests that deletion of this region of the APC protein is causative of disease. For these reasons, this variant has been classified as Pathogenic. This sequence change results in a premature translational stop signal in the APC gene (p.Pro1443Leufs*30). While this is not anticipated to result in nonsense mediated decay, it is expected to disrupt the last 1401 amino acids of the APC protein. This variant is not present in population databases (ExAC no frequency). This variant has not been reported in the literature in individuals with APC-related disease.

Literature cited by the submitters: PubMed 15311282 (cited by Labcorp Genetics (formerly Invitae), Labcorp); PubMed 17293347 (cited by Labcorp Genetics (formerly Invitae), Labcorp); PubMed 9824584 (cited by Labcorp Genetics (formerly Invitae), Labcorp); PubMed 1316610 (cited by Labcorp Genetics (formerly Invitae), Labcorp); PubMed 27081525 (cited by Labcorp Genetics (formerly Invitae), Labcorp); PubMed 8381579 (cited by Labcorp Genetics (formerly Invitae), Labcorp); PubMed 22135120 (cited by Labcorp Genetics (formerly Invitae), Labcorp).

NM_000038.6(APC):c.4326del (p.Pro1443fs)

Gene: APC (APC regulator of Wnt signaling pathway; plus strand). Cytogenetic location: 5q22.2.
Variant type: Deletion.
Coding change: c.4326del on transcript NM_000038.6 (MANE Select); coding-DNA position 4326, one base deleted (T; older notation c.4326delT).
Protein change: p.Pro1443fs; shifts the reading frame from proline 1443.
Molecular consequence: frameshift variant.
Genome position (GRCh38, 1-based): chr5:112,839,920, T deleted. VCF-style (leftmost placement, unchanged base first): chr5-112839919-CT-C. GRCh37 (hg19) VCF-style: chr5-112175616-CT-C.
Other names: c.4326del, p.Pro1443fs (NM_001127510.3, NM_001354895.2); c.4272del, p.Pro1425fs (NM_001127511.3); c.4380del, p.Pro1461fs (NM_001354896.2); c.4356del, p.Pro1453fs (NM_001354897.2); c.4251del, p.Pro1418fs (NM_001354898.2); c.4242del, p.Pro1415fs (NM_001354899.2); c.4203del, p.Pro1402fs (NM_001354900.2); c.4149del, p.Pro1384fs (NM_001354901.2); and 5 more; short protein forms P1160fs, P1352fs, P1342fs, P1384fs, P1402fs, P1415fs, P1283fs, P1418fs.
Identifiers: ClinVar variation 645119 (VCV000645119.11), dbSNP rs1580646613, ClinGen allele CA915943489.
Genomic context (GRCh38, chr5:112,839,919, plus strand): 5'-ATCTTCCAGATAGCCCTGGACAAACCATGCCACCAAGCAGAAGTAAAACACCTCCACCAC[CT>C]CCTCAAACAGCTCAAACCAAGCGAGAAGTACCTAAAAATAAAGCACCTACTGCTGAAAAG-3'